The following is an entry in ClinVar:

NM_001080.3(ALDH5A1):c.*40T>C

Gene: ALDH5A1 (aldehyde dehydrogenase 5 family member A1; plus strand). Cytogenetic location: 6p22.3.
Variant type: single nucleotide variant.
Coding change: c.*40T>C on transcript NM_001080.3 (MANE Select); 40 bases downstream of the stop codon, T replaced by C.
Molecular consequence: 3 prime UTR variant.
Genome position (GRCh38, 1-based): chr6:24,533,752, T>C. VCF-style: chr6-24533752-T-C. GRCh37 (hg19) VCF-style: chr6-24533980-T-C.
Other names: c.*40T>C (NM_001368954.1, NM_170740.1).
Identifiers: ClinVar variation 356143 (VCV000356143.5), dbSNP rs146793715, ClinGen allele CA3656987.

ClinVar aggregate classification (germline): Likely benign (1 of 4 stars; one submission).

Conditions:
Succinate-semialdehyde dehydrogenase deficiency (SSADHD). Also called: Succinic Semialdehyde Dehydrogenase Deficiency; 4-HYDROXYBUTYRIC ACIDURIA; GABA METABOLIC DEFECT; SSADH DEFICIENCY. Identifiers: Orphanet 22, MedGen C0268631, MONDO:0010083, OMIM 271980.

Allele frequency attached by ClinVar (database versions not stated): gnomAD exomes 0.00009 and 0.00023; ExAC 0.00033; 1000 Genomes Project 30x 0.00062; 1000 Genomes Project 0.00080; gnomAD 0.00120 and 0.00132; ESP Exome Variant Server 0.00131; TOPMed 0.00152.
gnomAD v4.1: 327 of 1,557,896 alleles (0.021%); highest among the groups gnomAD compares: African/African-American, 0.39%; 1 homozygote.

Submission:

Illumina Laboratory Services, Illumina
Classification: Likely benign for Succinate-semialdehyde dehydrogenase deficiency. Last evaluated: 2018-01-12. Review status: criteria provided, single submitter. Criteria: ICSL Variant Classification Criteria 13 December 2019. Collection method: clinical testing. Allele origin: germline.
Comment: This variant was observed in the ICSL laboratory as part of a predisposition screen in an ostensibly healthy population. It had not been previously curated by ICSL or reported in the Human Gene Mutation Database (HGMD: prior to June 1st, 2018), and was therefore a candidate for classification through an automated scoring system. Utilizing variant allele frequency, disease prevalence and penetrance estimates, and inheritance mode, an automated score was calculated to assess if this variant is too frequent to cause the disease. Based on the score and internal cut-off values, a variant classified as likely benign is not then subjected to further curation. The score for this variant resulted in a classification of likely benign for this disease.